The following is an entry in ClinVar:

NM_000257.4(MYH7):c.1106G>C (p.Arg369Pro)

Gene: MYH7 (myosin heavy chain 7; minus strand). Cytogenetic location: 14q11.2.
Variant type: single nucleotide variant.
Coding change: c.1106G>C on transcript NM_000257.4 (MANE Select); coding-DNA position 1106, G replaced by C.
Protein change: p.Arg369Pro; replaces arginine 369 with proline.
Molecular consequence: missense variant.
Genome position (GRCh38, 1-based): chr14:23,429,807, C>G on the plus strand (G>C on the coding strand, the complement: MYH7 is on the minus strand). VCF-style: chr14-23429807-C-G. GRCh37 (hg19) VCF-style: chr14-23899016-C-G.
Other names: short protein forms R369P.
Identifiers: ClinVar variation 164379 (VCV000164379.13), dbSNP rs397516089, ClinGen allele CA010203.

ClinVar aggregate classification (germline): Uncertain significance. Review status: reviewed by expert panel (3 of 4 stars). 3 submissions from 3 submitters: Uncertain significance (1). 2 of the submissions do not count toward it. Last evaluated 2025-11-14.

Conditions:
Primary dilated cardiomyopathy (DCM). Also called: Dilated Cardiomyopathy. Identifiers: Orphanet 217604, MedGen C0007193, MeSH D002311, MONDO:0005021, HP:0001644. Inheritance: Various modes of inheritance.
Hypertrophic cardiomyopathy. Also called: HYPERTROPHIC MYOCARDIOPATHY. Identifiers: Orphanet 217569, MedGen C0007194, MeSH D002312, MONDO:0005045, HP:0001639.

Submissions (3):

ClinGen Cardiomyopathy Variant Curation Expert Panel
Classification: Uncertain significance for Primary dilated cardiomyopathy. Last evaluated: 2025-11-14. Review status: reviewed by expert panel. Criteria: ClinGen CMP ACMG Specifications MYH7 V2.0.0. Collection method: curation. Allele origin: germline. Inheritance: Autosomal dominant inheritance.
Comment: NM_000257.4(MYH7):c.1106G>C (p.Arg369Pro). This variant has been described in individuals with DCM and other cardiomyopathies (Variation ID 164379), including in an individual with LVNC in which the variant was presumed to be a de novo occurrence. However, because the reported phenotype is not specific enough, the PM6 criterion was not invoked. This variant was absent from large population studies (gnomAD v2.1). This variant is not statistically increased in individuals with DCM compared to controls; [OR lower 95% CI <5]. Therefore, the PS4 criteria has not been applied and the PM2_Supporting criterion has been applied (PM2_Supporting). This variant lies in the head region of the protein (aa 167-931) and while missense variants in this region are statistically more likely to be associated with HCM (Walsh 2019 PMID: 30696458), location in this region cannot be used to support pathogenicity for other phenotypes; therefore, PM1 is not applicable. A different missense variant for DCM/LVNC that has been classified as likely pathogenic by this expert panel has been previously identified at this codon, which indicates that this residue may be critical to the function of the protein (PM5_supporting; ClinVar Variation ID 42822). Computational prediction tools and conservation analysis suggest that this variant may impact the protein (PP3; REVEL score ≥0.70). In summary, due to insufficient evidence, this variant is classified as uncertain significance for dilated cardiomyopathy in an autosomal dominant manner based on PM2_Supporting, PM5_Supporting, and PP3.

Labcorp Genetics (formerly Invitae), Labcorp
Classification: Pathogenic for Hypertrophic cardiomyopathy. Last evaluated: 2025-03-06. Review status: criteria provided, single submitter. Criteria: Invitae Variant Classification Sherloc (09022015). Collection method: clinical testing. Allele origin: germline. Not counted in ClinVar's aggregate classification.
Comment: This sequence change replaces arginine, which is basic and polar, with proline, which is neutral and non-polar, at codon 369 of the MYH7 protein (p.Arg369Pro). This variant is not present in population databases (gnomAD no frequency). This missense change has been observed in individual(s) with left ventricular non-compaction (internal data). In at least one individual the variant was observed to be de novo. ClinVar contains an entry for this variant (Variation ID: 164379). Invitae Evidence Modeling of protein sequence and biophysical properties (such as structural, functional, and spatial information, amino acid conservation, physicochemical variation, residue mobility, and thermodynamic stability) indicates that this missense variant is expected to disrupt MYH7 protein function with a positive predictive value of 95%. This variant is found within a region of MYH7 between codons 181 and 937 that contains the majority of the myosin head domain. Missense variants in this region have been shown to be significantly overrepresented in individuals with hypertrophic cardiomyopathy (PMID: 27532257). For these reasons, this variant has been classified as Pathogenic.

Laboratory for Molecular Medicine, Mass General Brigham Personalized Medicine
Classification: Uncertain significance. Last evaluated: 2014-01-06. Review status: criteria provided, single submitter. Criteria: LMM Criteria. Collection method: clinical testing. Allele origin: germline. Observed: 1 variant allele. Not counted in ClinVar's aggregate classification.
Comment: proposed classification - variant undergoing re-assessment, contact laboratory

Literature cited by the submitters: PubMed 27532257 (cited by Labcorp Genetics (formerly Invitae), Labcorp); PubMed 20031619 (cited by Laboratory for Molecular Medicine, Mass General Brigham Personalized Medicine).